The following is an entry in ClinVar:

ClinVar aggregate classification (germline): Uncertain significance (1 of 4 stars; one submission).

Allele frequency attached by ClinVar (database versions not stated): TOPMed below 0.00001; gnomAD 0.00001.
gnomAD v4.1: 6 of 1,594,214 alleles (0.00038%); highest among the groups gnomAD compares: Non-Finnish European, 0.00051%; no homozygotes.

Submission:

Labcorp Genetics (formerly Invitae), Labcorp
Classification: Uncertain significance. Last evaluated: 2023-12-22. Review status: criteria provided, single submitter. Criteria: Invitae Variant Classification Sherloc (09022015). Collection method: clinical testing. Allele origin: germline.
Comment: This sequence change replaces alanine, which is neutral and non-polar, with threonine, which is neutral and polar, at codon 137 of the TRIM8 protein (p.Ala137Thr). This variant is not present in population databases (gnomAD no frequency). This variant has not been reported in the literature in individuals affected with TRIM8-related conditions. ClinVar contains an entry for this variant (Variation ID: 1927788). An algorithm developed to predict the effect of missense changes on protein structure and function (PolyPhen-2) suggests that this variant is likely to be tolerated. In summary, the available evidence is currently insufficient to determine the role of this variant in disease. Therefore, it has been classified as a Variant of Uncertain Significance.

NM_030912.3(TRIM8):c.409G>A (p.Ala137Thr)

Gene: TRIM8 (tripartite motif containing 8; plus strand). Cytogenetic location: 10q24.32.
Variant type: single nucleotide variant.
Coding change: c.409G>A on transcript NM_030912.3 (MANE Select); coding-DNA position 409, G replaced by A.
Protein change: p.Ala137Thr; replaces alanine 137 with threonine.
Molecular consequence: missense variant. On other transcripts: non-coding transcript variant (1).
Genome position (GRCh38, 1-based): chr10:102,645,026, G>A. VCF-style: chr10-102645026-G-A. GRCh37 (hg19) VCF-style: chr10-104404783-G-A.
Other names: c.409G>A, p.Ala137Thr (NM_001345950.1); short protein forms A137T.
Identifiers: ClinVar variation 1927788 (VCV001927788.5), dbSNP rs887858487, ClinGen allele CA212260346.